The following is an entry in ClinVar:

NM_152743.4(BRAT1):c.1312C>G (p.Gln438Glu)

Gene: BRAT1 (BRCA1 associated ATM activator 1; minus strand). Cytogenetic location: 7p22.3.
Variant type: single nucleotide variant.
Coding change: c.1312C>G on transcript NM_152743.4 (MANE Select); coding-DNA position 1312, C replaced by G.
Protein change: p.Gln438Glu; replaces glutamine 438 with glutamic acid.
Molecular consequence: missense variant. On other transcripts: non-coding transcript variant (1).
Genome position (GRCh38, 1-based): chr7:2,541,307, G>C on the plus strand (C>G on the coding strand, the complement: BRAT1 is on the minus strand). VCF-style: chr7-2541307-G-C. GRCh37 (hg19) VCF-style: chr7-2580941-G-C.
Other names: c.1312C>G, p.Gln438Glu (NM_001350626.2); c.787C>G, p.Gln263Glu (NM_001350627.2); short protein forms Q263E, Q438E.
Identifiers: ClinVar variation 1878741 (VCV001878741.1), dbSNP rs1471483570, ClinGen allele CA366628918.
Genomic context (GRCh38, chr7:2,541,307, plus strand): 5'-AGTGGGGGCACAGGGATAGCCCCACGCCAAAGCCGTACAGAACACACTCACCTGTCCCCT[G>C]TGACAGCGTCCCCAGGAAGTCGAGGGCTGCTCGCTGGACCCGGACGCAGCCCGCCAGGGT-3'
Protein context (NP_689956.2, residues 428-448): AALDFLGTLS[Gln438Glu]GTGPQELVTQ

ClinVar aggregate classification (germline): Uncertain significance (1 of 4 stars; one submission).

Allele frequency attached by ClinVar (database versions not stated): gnomAD 0.00001.
gnomAD v4.1: 3 of 1,591,744 alleles (0.00019%); highest among the groups gnomAD compares: African/African-American, 0.0013%; no homozygotes.

Submission:

GeneDx
Classification: Uncertain significance. Last evaluated: 2022-07-11. Review status: criteria provided, single submitter. Criteria: GeneDx Variant Classification Process June 2021. Collection method: clinical testing. Allele origin: germline. Affected: yes.
Comment: Not observed at significant frequency in large population cohorts (gnomAD); In silico analysis supports that this missense variant does not alter protein structure/function; Has not been previously published as pathogenic or benign to our knowledge